The following is an entry in ClinVar:

NM_001012339.3(DNAJC21):c.362A>G (p.Glu121Gly)

Gene: DNAJC21 (DnaJ heat shock protein family (Hsp40) member C21; plus strand). Cytogenetic location: 5p13.2.
Variant type: single nucleotide variant.
Coding change: c.362A>G on transcript NM_001012339.3 (MANE Select); coding-DNA position 362, A replaced by G.
Protein change: p.Glu121Gly; replaces glutamic acid 121 with glycine.
Molecular consequence: missense variant.
Genome position (GRCh38, 1-based): chr5:34,936,190, A>G. VCF-style: chr5-34936190-A-G. GRCh37 (hg19) VCF-style: chr5-34936295-A-G.
Other names: c.362A>G, p.Glu121Gly (NM_001348420.2, NM_194283.4); short protein forms E121G.
Identifiers: ClinVar variation 4685877 (VCV004685877.1).

ClinVar aggregate classification (germline): Uncertain significance (1 of 4 stars; one submission).

Conditions:
Bone marrow failure syndrome 3 (BMFS3). Identifiers: MedGen C4310744, MONDO:0014887, OMIM 617052.

gnomAD v4.1: 3 of 1,614,090 alleles (0.00019%); highest among the groups gnomAD compares: Admixed American, 0.005%; no homozygotes.

Submission:

ARUP Laboratories, Molecular Genetics and Genomics, ARUP Laboratories
Classification: Uncertain significance for Bone marrow failure syndrome 3. Last evaluated: 2025-06-11. Review status: criteria provided, single submitter. Criteria: ARUP Molecular Germline Variant Investigation Process 2024. Collection method: clinical testing. Allele origin: germline.
Comment: The DNAJC21 c.362A>G; p.Glu121Gly variant (rs775957708), to our knowledge, is not reported in the medical literature or gene specific databases. This variant is only observed on two alleles in the Genome Aggregation Database (v2.1.1), indicating it is not a common polymorphism. Computational analyses are uncertain whether this variant is neutral or deleterious (REVEL: 0.404). Due to limited information, the clinical significance of this variant is uncertain at this time.